The following is an entry in ClinVar:

ClinVar aggregate classification (germline): Likely benign. Review status: criteria provided, multiple submitters, no conflicts (2 of 4 stars). 2 submissions from 2 submitters: Likely benign (2). Last evaluated 2025-11-01.

Conditions:
Familial hemiplegic migraine. Identifiers: MedGen C0338484, MONDO:0000700.

Allele frequency attached by ClinVar (database versions not stated): ExAC 0.00002; gnomAD exomes 0.00002 and 0.00004; TOPMed 0.00002; gnomAD 0.00006; 1000 Genomes Project 30x 0.00016; 1000 Genomes Project 0.00020.
gnomAD v4.1: 32 of 1,614,146 alleles (0.002%); highest among the groups gnomAD compares: East Asian, 0.033%; no homozygotes.

Submissions (2):

CeGaT Center for Human Genetics Tuebingen
Classification: Likely benign. Last evaluated: 2025-11-01. Review status: criteria provided, single submitter. Criteria: CeGaT Center For Human Genetics Tuebingen Variant Classification Criteria Version 2. Collection method: clinical testing. Allele origin: germline. Affected: yes. Observed: 1 variant allele.
Comment: ATP1A2: BP4, BP7

Labcorp Genetics (formerly Invitae), Labcorp
Classification: Likely benign for Familial hemiplegic migraine. Last evaluated: 2025-06-12. Review status: criteria provided, single submitter. Criteria: Invitae Variant Classification Sherloc (09022015). Collection method: clinical testing. Allele origin: germline.

NM_000702.4(ATP1A2):c.2742G>A (p.Thr914=)

Gene: ATP1A2 (ATPase Na+/K+ transporting subunit alpha 2; plus strand). Cytogenetic location: 1q23.2.
Variant type: single nucleotide variant.
Coding change: c.2742G>A on transcript NM_000702.4 (MANE Select); coding-DNA position 2742, G replaced by A.
Protein change: p.Thr914=; no amino-acid change (threonine 914 retained).
Molecular consequence: synonymous variant.
Genome position (GRCh38, 1-based): chr1:160,136,933, G>A. VCF-style: chr1-160136933-G-A. GRCh37 (hg19) VCF-style: chr1-160106723-G-A.
Identifiers: ClinVar variation 721472 (VCV000721472.14), dbSNP rs201215311, ClinGen allele CA1194832.